The following is an entry in ClinVar:

NM_153676.4(USH1C):c.2227-1G>T

Gene: USH1C (USH1 protein network component harmonin; minus strand). Cytogenetic location: 11p15.1.
Variant type: single nucleotide variant.
Coding change: c.2227-1G>T on transcript NM_153676.4 (MANE Select); the canonical splice acceptor site of the intron before coding-DNA position 2227, G replaced by T.
Molecular consequence: splice acceptor variant.
Genome position (GRCh38, 1-based): chr11:17,501,536, C>A on the plus strand (G>T on the coding strand, the complement: USH1C is on the minus strand). VCF-style: chr11-17501536-C-A. GRCh37 (hg19) VCF-style: chr11-17523083-C-A.
Other names: c.1270-1G>T (NM_001297764.2); c.1327-1G>T (NM_005709.4); c.2227-1G>T (NM_153676.3).
Identifiers: ClinVar variation 551392 (VCV000551392.16), dbSNP rs778110397, ClinGen allele CA379803666.

ClinVar aggregate classification (germline): Pathogenic/Likely pathogenic. Review status: criteria provided, multiple submitters, no conflicts (2 of 4 stars). 6 submissions from 6 submitters: Pathogenic (3); Likely pathogenic (2). 1 of the submissions does not count toward it. Last evaluated 2025-09-30.

Conditions:
USH1C-related disorder. Also called: USH1C-related condition.
Usher syndrome type 1C. Also called: USHER SYNDROME, TYPE I, ACADIAN VARIETY. Identifiers: Orphanet 231169, Orphanet 886, MedGen C1848604, MONDO:0010171, OMIM 276904.
Autosomal recessive nonsyndromic hearing loss 18A. Also called: Deafness, autosomal recessive 18A; DEAFNESS, AUTOSOMAL RECESSIVE 18. Identifiers: Orphanet 90636, MedGen C1865870, MONDO:0011192, OMIM 602092.

Allele frequency attached by ClinVar (database versions not stated): TOPMed below 0.00001; gnomAD 0.00001.
gnomAD v4.1: 7 of 1,611,760 alleles (0.00043%); highest among the groups gnomAD compares: African/African-American, 0.0013%; no homozygotes.

Submissions (6):

PreventionGenetics, part of Exact Sciences
Classification: Pathogenic for USH1C-related condition. Last evaluated: 2025-09-30. Review status: criteria provided, single submitter. Criteria: ACMG Guidelines, 2015. Collection method: clinical testing. Allele origin: germline.
Comment: The USH1C c.2227-1G>T variant is predicted to disrupt the AG splice acceptor site and interfere with normal splicing. This variant has been previously reported in the compound heterozygous state in individuals with sector retinitis pigmentosa with or without hearing loss (Le Quesne Stabej et al. 2012. PubMed ID: 22135276; Georgiou et al. 2021. PubMed ID: 32795431). An alternate nucleotide change (c.2227-1G>A) has also been reported in two affected siblings (Saihan et al. 2011. PubMed ID: 21487335). This variant is reported in 0.0016% of alleles in individuals of European (Non-Finnish) descent in gnomAD. Variants that disrupt the consensus splice acceptor site in USH1C are expected to be pathogenic. This variant is interpreted as pathogenic.

Natera, Inc.
Classification: Likely pathogenic for Usher syndrome type 1C. Last evaluated: 2024-08-11. Review status: criteria provided, single submitter. Criteria: Natera Variant Classification Schema (03/2026). Collection method: clinical testing. Allele origin: germline.
Comment: The c.1327-1G>T variant in USH1C is a canonical splice acceptor site variant predicted to affect pre-mRNA splicing, which may result in an abnormal transcript and altered protein product. This variant may result in a truncated or dysfunctional protein product. This variant is rare in the general population with a frequency below the threshold expected for the associated phenotype(s). This variant has been observed in one or more individuals affected with the associated recessive disease, as either homozygous or compound heterozygous with a second variant (PMID: 21487335). Additionally, this variant has been observed to segregate in affected family members (PMID: 21487335). Given the available evidence, this variant is classified as Likely Pathogenic.

Fulgent Genetics
Classification: Likely pathogenic for Usher syndrome type 1C; Autosomal recessive nonsyndromic hearing loss 18A. Last evaluated: 2024-05-07. Review status: criteria provided, single submitter. Criteria: ACMG Guidelines, 2015. Collection method: clinical testing. Allele origin: germline.

Baylor Genetics
Classification: Pathogenic for Autosomal recessive nonsyndromic hearing loss 18A. Last evaluated: 2024-02-09. Review status: criteria provided, single submitter. Criteria: ACMG Guidelines, 2015. Collection method: clinical testing. Allele origin: unknown.

Labcorp Genetics (formerly Invitae), Labcorp
Classification: Pathogenic. Last evaluated: 2024-01-29. Review status: criteria provided, single submitter. Criteria: Invitae Variant Classification Sherloc (09022015). Collection method: clinical testing. Allele origin: germline.
Comment: This sequence change affects an acceptor splice site in intron 16 of the USH1C gene. It is expected to disrupt RNA splicing. Variants that disrupt the donor or acceptor splice site typically lead to a loss of protein function (PMID: 16199547), and loss-of-function variants in USH1C are known to be pathogenic (PMID: 10973247, 17407589, 20301442, 21203349). The frequency data for this variant in the population databases is considered unreliable, as metrics indicate poor data quality at this position in the gnomAD database. Disruption of this splice site has been observed in individual(s) with Usher syndrome (PMID: 21487335). In at least one individual the data is consistent with being in trans (on the opposite chromosome) from a pathogenic variant. It has also been observed to segregate with disease in related individuals. This variant is also known as c.2227-1G>T. ClinVar contains an entry for this variant (Variation ID: 551392). Algorithms developed to predict the effect of sequence changes on RNA splicing suggest that this variant may disrupt the consensus splice site. For these reasons, this variant has been classified as Pathogenic.

Counsyl
Classification: Likely pathogenic for Usher syndrome type 1C; Autosomal recessive nonsyndromic hearing loss 18A. Last evaluated: 2017-04-06. Review status: no assertion criteria provided. Collection method: clinical testing. Allele origin: unknown. Not counted in ClinVar's aggregate classification.

Literature cited by the submitters: PubMed 21487335 (cited by 3 submitters); PubMed 16199547 (cited by Labcorp Genetics (formerly Invitae), Labcorp); PubMed 10973247 (cited by Labcorp Genetics (formerly Invitae), Labcorp); PubMed 17407589 (cited by Labcorp Genetics (formerly Invitae), Labcorp); PubMed 20301442 (cited by Labcorp Genetics (formerly Invitae), Labcorp); PubMed 21203349 (cited by Labcorp Genetics (formerly Invitae), Labcorp); PubMed 22135276 (cited by Counsyl).